The following is an entry in ClinVar:

ClinVar aggregate classification (germline): Uncertain significance (1 of 4 stars; one submission).

Conditions:
Inborn genetic diseases. Identifiers: MedGen C0950123, MeSH D030342.

Allele frequency attached by ClinVar (database versions not stated): gnomAD exomes below 0.00001; TOPMed below 0.00001.
gnomAD v4.1: 1 of 1,613,658 alleles (0.000062%); highest among the groups gnomAD compares: African/African-American, 0.0013%; no homozygotes.

Submission:

Ambry Genetics
Classification: Uncertain significance for Inborn genetic diseases. Last evaluated: 2022-07-19. Review status: criteria provided, single submitter. Criteria: Ambry Variant Classification Scheme 2023. Collection method: clinical testing. Allele origin: germline.
Comment: The p.F553S variant (also known as c.1658T>C), located in coding exon 15 of the LRRK2 gene, results from a T to C substitution at nucleotide position 1658. The phenylalanine at codon 553 is replaced by serine, an amino acid with highly dissimilar properties. This amino acid position is conserved. In addition, this alteration is predicted to be deleterious by in silico analysis. Since supporting evidence is limited at this time, the clinical significance of this alteration remains unclear.

NM_198578.4(LRRK2):c.1658T>C (p.Phe553Ser)

Gene: LRRK2 (leucine rich repeat kinase 2; plus strand). Cytogenetic location: 12q12.
Variant type: single nucleotide variant.
Coding change: c.1658T>C on transcript NM_198578.4 (MANE Select); coding-DNA position 1658, T replaced by C.
Protein change: p.Phe553Ser; replaces phenylalanine 553 with serine.
Molecular consequence: missense variant.
Genome position (GRCh38, 1-based): chr12:40,274,584, T>C. VCF-style: chr12-40274584-T-C. GRCh37 (hg19) VCF-style: chr12-40668386-T-C.
Other names: short protein forms F553S.
Identifiers: ClinVar variation 1777402 (VCV001777402.2), dbSNP rs1287370551, ClinGen allele CA384402569.